The following is an entry in ClinVar:

ClinVar aggregate classification (germline): Uncertain significance (1 of 4 stars; one submission).

gnomAD v4.1: 2 of 1,598,342 alleles (0.00013%); highest among the groups gnomAD compares: African/African-American, 0.0027%; no homozygotes.

Submission:

Labcorp Genetics (formerly Invitae), Labcorp
Classification: Uncertain significance. Last evaluated: 2024-01-05. Review status: criteria provided, single submitter. Criteria: Invitae Variant Classification Sherloc (09022015). Collection method: clinical testing. Allele origin: germline.
Comment: This sequence change replaces aspartic acid, which is acidic and polar, with histidine, which is basic and polar, at codon 973 of the PIK3C2A protein (p.Asp973His). This variant is not present in population databases (gnomAD no frequency). This variant has not been reported in the literature in individuals affected with PIK3C2A-related conditions. An algorithm developed to predict the effect of missense changes on protein structure and function (PolyPhen-2) suggests that this variant is likely to be disruptive. In summary, the available evidence is currently insufficient to determine the role of this variant in disease. Therefore, it has been classified as a Variant of Uncertain Significance.

NM_002645.4(PIK3C2A):c.2917G>C (p.Asp973His)

Gene: PIK3C2A (phosphatidylinositol-4-phosphate 3-kinase catalytic subunit type 2 alpha; minus strand). Cytogenetic location: 11p15.1.
Variant type: single nucleotide variant.
Coding change: c.2917G>C on transcript NM_002645.4 (MANE Select); coding-DNA position 2917, G replaced by C.
Protein change: p.Asp973His; replaces aspartic acid 973 with histidine.
Molecular consequence: missense variant.
Genome position (GRCh38, 1-based): chr11:17,119,243, C>G on the plus strand (G>C on the coding strand, the complement: PIK3C2A is on the minus strand). VCF-style: chr11-17119243-C-G. GRCh37 (hg19) VCF-style: chr11-17140790-C-G.
Other names: c.2917G>C, p.Asp973His (NM_001321378.2); c.1777G>C, p.Asp593His (NM_001321380.2); c.2749G>C, p.Asp917His (NM_001386870.1); short protein forms D593H, D973H, D917H.
Identifiers: ClinVar variation 3011813 (VCV003011813.3), dbSNP rs1263201026, ClinGen allele CA379760376.